The following is an entry in ClinVar:

NM_006231.4(POLE):c.5428_5430del (p.His1810del)

Gene: POLE (DNA polymerase epsilon, catalytic subunit; minus strand). Cytogenetic location: 12q24.33.
Variant type: Deletion.
Coding change: c.5428_5430del on transcript NM_006231.4 (MANE Select); coding-DNA positions 5428 to 5430, 3 bases deleted (CAC; older notation c.5428_5430delCAC).
Protein change: p.His1810del; deletes histidine 1810.
Genome position (GRCh38, 1-based): chr12:132,639,247-132,639,249, GTG deleted on the plus strand (CAC on the coding strand, the reverse complement: POLE is on the minus strand); deleting any 3 consecutive bases within chr12:132,639,247-132,639,251 gives the same sequence; the c. name uses the placement nearest the transcript's 3' end. VCF-style (leftmost placement, unchanged base first): chr12-132639246-TGTG-T. GRCh37 (hg19) VCF-style: chr12-133215832-TGTG-T.
Other names: short protein forms H1810del.
Identifiers: ClinVar variation 3640370 (VCV003640370.2).
Genomic context (GRCh38, chr12:132,639,246, plus strand): 5'-GAGAGGATGGCGACCGAAGCCAGCGGTAGAAGTGCATCACCTGGTTGTCTGCATAGATGT[TGTG>T]GTACTGGGTGATCTCCTTCACCCAGCCCACGACCATGCTCTTCAGGATCCTGAAAGAGAA-3'

ClinVar aggregate classification (germline): Uncertain significance (1 of 4 stars; one submission).

Submission:

Labcorp Genetics (formerly Invitae), Labcorp
Classification: Uncertain significance. Last evaluated: 2024-07-25. Review status: criteria provided, single submitter. Criteria: Invitae Variant Classification Sherloc (09022015). Collection method: clinical testing. Allele origin: germline.
Comment: This variant, c.5428_5430del, results in the deletion of 1 amino acid(s) of the POLE protein (p.His1810del), but otherwise preserves the integrity of the reading frame. This variant is not present in population databases (gnomAD no frequency). This variant has not been reported in the literature in individuals affected with POLE-related conditions. Experimental studies and prediction algorithms are not available or were not evaluated, and the functional significance of this variant is currently unknown. In summary, the available evidence is currently insufficient to determine the role of this variant in disease. Therefore, it has been classified as a Variant of Uncertain Significance.